The following is an entry in ClinVar:

ClinVar aggregate classification (germline): Uncertain significance. Review status: criteria provided, multiple submitters, no conflicts (2 of 4 stars). 4 submissions from 4 submitters: Uncertain significance (4). Last evaluated 2025-11-13.

Conditions:
Inborn genetic diseases. Identifiers: MedGen C0950123, MeSH D030342.
ATRX-related disorder. Also called: ATRX-related condition.
Alpha thalassemia-X-linked intellectual disability syndrome (ATRX). Also called: ALPHA-THALASSEMIA/MENTAL RETARDATION SYNDROME, X-LINKED; ATR, NONDELETION TYPE; ATR-X syndrome; Alpha thalassemia mental retardation syndrome, nondeletion type, X-linked; XLMR hypotonic face syndrome; X-linked alpha-thalassemia-mental retardation syndrome. Identifiers: Orphanet 847, MedGen C1845055, MONDO:0010519, OMIM 301040.

gnomAD v4.1: 1 of 1,210,241 alleles (0.000083%); highest among the groups gnomAD compares: Admixed American, 0.0022%; no homozygotes.

Submissions (4):

PreventionGenetics, part of Exact Sciences
Classification: Uncertain significance for ATRX-related condition. Last evaluated: 2025-11-13. Review status: criteria provided, single submitter. Criteria: ACMG Guidelines, 2015. Collection method: clinical testing. Allele origin: germline.
Comment: The ATRX c.6895C>G variant is predicted to result in the amino acid substitution p.Pro2299Ala. To our knowledge, this variant has not been reported in the literature or in a large population database (gnomAD), indicating this variant is rare. At this time, the clinical significance of this variant is uncertain due to the absence of conclusive functional and genetic evidence.

Labcorp Genetics (formerly Invitae), Labcorp
Classification: Uncertain significance for Alpha thalassemia-X-linked intellectual disability syndrome. Last evaluated: 2025-07-18. Review status: criteria provided, single submitter. Criteria: Invitae Variant Classification Sherloc (09022015). Collection method: clinical testing. Allele origin: germline.
Comment: This sequence change replaces proline, which is neutral and non-polar, with alanine, which is neutral and non-polar, at codon 2299 of the ATRX protein (p.Pro2299Ala). This variant is not present in population databases (gnomAD no frequency). This variant has not been reported in the literature in individuals affected with ATRX-related conditions. ClinVar contains an entry for this variant (Variation ID: 3465874). Invitae Evidence Modeling of protein sequence and biophysical properties (such as structural, functional, and spatial information, amino acid conservation, physicochemical variation, residue mobility, and thermodynamic stability) indicates that this missense variant is not expected to disrupt ATRX protein function with a negative predictive value of 95%. In summary, the available evidence is currently insufficient to determine the role of this variant in disease. Therefore, it has been classified as a Variant of Uncertain Significance.

Ambry Genetics
Classification: Uncertain significance for Inborn genetic diseases. Last evaluated: 2024-11-10. Review status: criteria provided, single submitter. Criteria: Ambry Variant Classification Scheme 2023. Collection method: clinical testing. Allele origin: germline.

Blueprint Genetics
Classification: Uncertain significance. Last evaluated: 2022-07-30. Review status: criteria provided, single submitter. Criteria: ACMG Guidelines, 2015. Collection method: clinical testing. Allele origin: germline.

NM_000489.6(ATRX):c.6895C>G (p.Pro2299Ala)

Gene: ATRX (ATRX chromatin remodeler; minus strand). Cytogenetic location: Xq21.1.
Variant type: single nucleotide variant.
Coding change: c.6895C>G on transcript NM_000489.6 (MANE Select); coding-DNA position 6895, C replaced by G.
Protein change: p.Pro2299Ala; replaces proline 2299 with alanine.
Molecular consequence: missense variant.
Genome position (GRCh38, 1-based): chrX:77,522,343, G>C on the plus strand (C>G on the coding strand, the complement: ATRX is on the minus strand). VCF-style: chrX-77522343-G-C. GRCh37 (hg19) VCF-style: chrX-76777821-G-C.
Other names: c.6895C>G (NM_000489.4); c.6781C>G, p.Pro2261Ala (NM_138270.5); short protein forms P2261A, P2299A.
Identifiers: ClinVar variation 3465874 (VCV003465874.4).